The following is an entry in ClinVar:

ClinVar aggregate classification (germline): Uncertain significance (1 of 4 stars; one submission).

Allele frequency attached by ClinVar (database versions not stated): gnomAD 0.00004 and 0.00005; gnomAD exomes 0.00004 and 0.00006; TOPMed 0.00006; ExAC 0.00010; ESP Exome Variant Server 0.00031.
gnomAD v4.1: 74 of 1,610,796 alleles (0.0046%); highest among the groups gnomAD compares: Non-Finnish European, 0.0054%; no homozygotes.

Submission:

Labcorp Genetics (formerly Invitae), Labcorp
Classification: Uncertain significance. Last evaluated: 2025-01-23. Review status: criteria provided, single submitter. Criteria: Invitae Variant Classification Sherloc (09022015). Collection method: clinical testing. Allele origin: germline.
Comment: This sequence change affects an acceptor splice site in intron 8 of the PCK2 gene. It is expected to disrupt RNA splicing. Variants that disrupt the donor or acceptor splice site typically lead to a loss of protein function (PMID: 16199547), however the current clinical and genetic evidence is not sufficient to establish whether loss-of-function variants in PCK2 cause disease. This variant is present in population databases (rs146873413, gnomAD 0.009%). This variant has not been reported in the literature in individuals affected with PCK2-related conditions. ClinVar contains an entry for this variant (Variation ID: 1376276). Algorithms developed to predict the effect of sequence changes on RNA splicing suggest that this variant may disrupt the consensus splice site. In summary, the available evidence is currently insufficient to determine the role of this variant in disease. Therefore, it has been classified as a Variant of Uncertain Significance.

Literature cited by the submitters: PubMed 16199547.

NM_004563.4(PCK2):c.1373-2A>T

Genes: NRL (neural retina leucine zipper; minus strand), PCK2 (phosphoenolpyruvate carboxykinase 2, mitochondrial; plus strand). Cytogenetic location: 14q12.
Variant type: single nucleotide variant.
Coding change: c.1373-2A>T on transcript NM_004563.4 (MANE Select); the canonical splice acceptor site of the intron before coding-DNA position 1373, A replaced by T.
Molecular consequence: splice acceptor variant. On other transcripts: intron variant (3).
Genome position (GRCh38, 1-based): chr14:24,103,158, A>T. VCF-style: chr14-24103158-A-T. GRCh37 (hg19) VCF-style: chr14-24572367-A-T.
Other names: c.-28+11564T>A (NM_001354768.3, NM_001354770.2); c.-254+11564T>A (NM_006177.5); c.971-2A>T (NM_001308054.2, NM_001291556.2).
Identifiers: ClinVar variation 1376276 (VCV001376276.6), dbSNP rs146873413, ClinGen allele CA7123474.